The following is an entry in ClinVar:

ClinVar aggregate classification (germline): Uncertain significance. Review status: criteria provided, multiple submitters, no conflicts (2 of 4 stars). 3 submissions from 3 submitters: Uncertain significance (3). Last evaluated 2025-09-28.

Conditions:
Hereditary cancer-predisposing syndrome. Also called: Hereditary Cancer Syndrome; Neoplastic Syndromes, Hereditary; Tumor predisposition; Hereditary neoplastic syndrome. Identifiers: Orphanet 140162, MedGen C0027672, MeSH D009386, MONDO:0015356.
Microcephaly, normal intelligence and immunodeficiency (NBS). Also called: BERLIN BREAKAGE SYNDROME; Ataxia telangiectasia variant V1; IMMUNODEFICIENCY, MICROCEPHALY, AND CHROMOSOMAL INSTABILITY; SEEMANOVA SYNDROME II; Nijmegen breakage syndrome; Microcephaly with normal intelligence immunodeficiency and lymphoreticular malignancies. Identifiers: Orphanet 647, MedGen C0398791, MONDO:0009623, OMIM 251260.

Submissions (3):

Labcorp Genetics (formerly Invitae), Labcorp
Classification: Uncertain significance for Microcephaly, normal intelligence and immunodeficiency. Last evaluated: 2025-09-28. Review status: criteria provided, single submitter. Criteria: Invitae Variant Classification Sherloc (09022015). Collection method: clinical testing. Allele origin: germline.
Comment: This sequence change replaces serine, which is neutral and polar, with cysteine, which is neutral and slightly polar, at codon 204 of the NBN protein (p.Ser204Cys). This variant is not present in population databases (gnomAD no frequency). This missense change has been observed in individual(s) with clinical features of NBN-related conditions (PMID: 30287823). ClinVar contains an entry for this variant (Variation ID: 231991). An algorithm developed to predict the effect of missense changes on protein structure and function (PolyPhen-2) suggests that this variant is likely to be disruptive. In summary, the available evidence is currently insufficient to determine the role of this variant in disease. Therefore, it has been classified as a Variant of Uncertain Significance.

Genome-Nilou Lab
Classification: Uncertain significance for Microcephaly, normal intelligence and immunodeficiency. Last evaluated: 2021-11-07. Review status: criteria provided, single submitter. Criteria: ACMG Guidelines, 2015. Collection method: clinical testing. Allele origin: germline. Affected: no.

Ambry Genetics
Classification: Uncertain significance for Hereditary cancer-predisposing syndrome. Last evaluated: 2020-02-24. Review status: criteria provided, single submitter. Criteria: Ambry Variant Classification Scheme 2023. Collection method: clinical testing. Allele origin: germline.
Comment: The p.S204C variant (also known as c.611C>G), located in coding exon 6 of the NBN gene, results from a C to G substitution at nucleotide position 611. The serine at codon 204 is replaced by cysteine, an amino acid with dissimilar properties. This alteration was not reported in 7051 unselected breast cancer patients and was reported with a carrier frequency of 0.00009 in 11241 female controls of Japanese ancestry (Momozawa Y et al. Nat Commun, 2018 10;9:4083). This amino acid position is poorly conserved in available vertebrate species. In addition, this alteration is predicted to be tolerated by in silico analysis. Since supporting evidence is limited at this time, the clinical significance of this alteration remains unclear.

Literature cited by the submitters: PubMed 30287823 (cited by Labcorp Genetics (formerly Invitae), Labcorp and Ambry Genetics).

NM_002485.5(NBN):c.611C>G (p.Ser204Cys)

Gene: NBN (nibrin; minus strand). Cytogenetic location: 8q21.3.
Variant type: single nucleotide variant.
Coding change: c.611C>G on transcript NM_002485.5 (MANE Select); coding-DNA position 611, C replaced by G.
Protein change: p.Ser204Cys; replaces serine 204 with cysteine.
Molecular consequence: missense variant.
Genome position (GRCh38, 1-based): chr8:89,971,264, G>C on the plus strand (C>G on the coding strand, the complement: NBN is on the minus strand). VCF-style: chr8-89971264-G-C. GRCh37 (hg19) VCF-style: chr8-90983492-G-C.
Other names: c.365C>G, p.Ser122Cys (NM_001024688.3); short protein forms S204C, S122C.
Identifiers: ClinVar variation 231991 (VCV000231991.18), dbSNP rs876659478, ClinGen allele CA10578799.